The following is an entry in ClinVar:

NM_001042492.3(NF1):c.5539C>A (p.Pro1847Thr)

Gene: NF1 (neurofibromin 1; plus strand). Cytogenetic location: 17q11.2.
Variant type: single nucleotide variant.
Coding change: c.5539C>A on transcript NM_001042492.3 (MANE Select); coding-DNA position 5539, C replaced by A.
Protein change: p.Pro1847Thr; replaces proline 1847 with threonine.
Molecular consequence: missense variant.
Genome position (GRCh38, 1-based): chr17:31,327,769, C>A. VCF-style: chr17-31327769-C-A. GRCh37 (hg19) VCF-style: chr17-29654787-C-A.
Other names: c.5476C>A, p.Pro1826Thr (NM_000267.4); short protein forms P1847T, P1826T.
Identifiers: ClinVar variation 947921 (VCV000947921.6), dbSNP rs2069384394, ClinGen allele CA399009809.

ClinVar aggregate classification (germline): Uncertain significance (1 of 4 stars; one submission).

Conditions:
Neurofibromatosis, type 1 (NF1). Also called: Peripheral type neurofibromatosis; Neurofibromatosis, type I; VON RECKLINGHAUSEN DISEASE; NEUROFIBROMATOSIS, TYPE I, SOMATIC. Identifiers: Orphanet 636, MedGen C0027831, MONDO:0018975, OMIM 162200. Disease mechanism: loss of function.

Submission:

Labcorp Genetics (formerly Invitae), Labcorp
Classification: Uncertain significance for Neurofibromatosis, type 1. Last evaluated: 2019-07-02. Review status: criteria provided, single submitter. Criteria: Invitae Variant Classification Sherloc (09022015). Collection method: clinical testing. Allele origin: germline.
Comment: In summary, the available evidence is currently insufficient to determine the role of this variant in disease. Therefore, it has been classified as a Variant of Uncertain Significance. Algorithms developed to predict the effect of missense changes on protein structure and function are either unavailable or do not agree on the potential impact of this missense change (SIFT: "Tolerated"; PolyPhen-2: "Probably Damaging"; Align-GVGD: "Class C0"). This variant has not been reported in the literature in individuals with NF1-related conditions. This variant is not present in population databases (ExAC no frequency). This sequence change replaces proline with threonine at codon 1826 of the NF1 protein (p.Pro1826Thr). The proline residue is moderately conserved and there is a small physicochemical difference between proline and threonine.